The following is an entry in ClinVar:

NM_012238.5(SIRT1):c.40T>G (p.Ser14Ala)

Genes: SIRT1 (sirtuin 1; plus strand), LOC107832851 (SIRT1 promoter region; plus strand). Cytogenetic location: 10q21.3.
Variant type: single nucleotide variant.
Coding change: c.40T>G on transcript NM_012238.5 (MANE Select); coding-DNA position 40, T replaced by G.
Protein change: p.Ser14Ala; replaces serine 14 with alanine.
Molecular consequence: missense variant.
Genome position (GRCh38, 1-based): chr10:67,884,761, T>G. VCF-style: chr10-67884761-T-G. GRCh37 (hg19) VCF-style: chr10-69644519-T-G.
Other names: short protein forms S14A.
Identifiers: ClinVar variation 3725852 (VCV003725852.2).
Genomic context (GRCh38, chr10:67,884,761, plus strand): 5'-GGCCAGAGAGGCAGTTGGAAGATGGCGGACGAGGCGGCCCTCGCCCTTCAGCCCGGCGGC[T>G]CCCCCTCGGCGGCGGGGGCCGACAGGGAGGCCGCGTCGTCCCCCGCCGGGGAGCCGCTCC-3'
Protein context (NP_036370.2, residues 4-24): EAALALQPGG[Ser14Ala]PSAAGADREA

ClinVar aggregate classification (germline): Uncertain significance (1 of 4 stars; one submission).

Submission:

Labcorp Genetics (formerly Invitae), Labcorp
Classification: Uncertain significance. Last evaluated: 2025-04-14. Review status: criteria provided, single submitter. Criteria: Invitae Variant Classification Sherloc (09022015). Collection method: clinical testing. Allele origin: germline.
Comment: This sequence change replaces serine, which is neutral and polar, with alanine, which is neutral and non-polar, at codon 14 of the SIRT1 protein (p.Ser14Ala). This variant is not present in population databases (gnomAD no frequency). This variant has not been reported in the literature in individuals affected with SIRT1-related conditions. ClinVar contains an entry for this variant (Variation ID: 3725852). An algorithm developed to predict the effect of missense changes on protein structure and function (PolyPhen-2) suggests that this variant is likely to be tolerated. In summary, the available evidence is currently insufficient to determine the role of this variant in disease. Therefore, it has been classified as a Variant of Uncertain Significance.